The following is an entry in ClinVar:

NM_004385.5(VCAN):c.118G>A (p.Val40Ile)

Gene: VCAN (versican; plus strand). Cytogenetic location: 5q14.2.
Variant type: single nucleotide variant.
Coding change: c.118G>A on transcript NM_004385.5 (MANE Select); coding-DNA position 118, G replaced by A.
Protein change: p.Val40Ile; replaces valine 40 with isoleucine.
Molecular consequence: missense variant.
Genome position (GRCh38, 1-based): chr5:83,490,145, G>A. VCF-style: chr5-83490145-G-A. GRCh37 (hg19) VCF-style: chr5-82785964-G-A.
Other names: c.118G>A, p.Val40Ile (NM_001126336.3, NM_001164097.2, NM_001164098.2); short protein forms V40I.
Identifiers: ClinVar variation 1918300 (VCV001918300.5), dbSNP rs763096343, ClinGen allele CA3332393.

ClinVar aggregate classification (germline): Uncertain significance (1 of 4 stars; one submission).

gnomAD v4.1: 11 of 1,614,136 alleles (0.00068%); highest among the groups gnomAD compares: Admixed American, 0.018%; no homozygotes.

Submission:

Labcorp Genetics (formerly Invitae), Labcorp
Classification: Uncertain significance. Last evaluated: 2022-05-03. Review status: criteria provided, single submitter. Criteria: Invitae Variant Classification Sherloc (09022015). Collection method: clinical testing. Allele origin: germline.
Comment: This variant is present in population databases (rs763096343, gnomAD 0.02%). In summary, the available evidence is currently insufficient to determine the role of this variant in disease. Therefore, it has been classified as a Variant of Uncertain Significance. Algorithms developed to predict the effect of missense changes on protein structure and function are either unavailable or do not agree on the potential impact of this missense change (SIFT: "Tolerated"; PolyPhen-2: "Possibly Damaging"; Align-GVGD: "Class C0"). This variant has not been reported in the literature in individuals affected with VCAN-related conditions. This sequence change replaces valine, which is neutral and non-polar, with isoleucine, which is neutral and non-polar, at codon 40 of the VCAN protein (p.Val40Ile).